The following is an entry in ClinVar:

ClinVar aggregate classification (germline): Uncertain significance (1 of 4 stars; one submission).

Conditions:
EGFR-related lung cancer (EGFR). Identifiers: MedGen CN130014.

Submission:

Labcorp Genetics (formerly Invitae), Labcorp
Classification: Uncertain significance for EGFR-related lung cancer. Last evaluated: 2021-10-06. Review status: criteria provided, single submitter. Criteria: Invitae Variant Classification Sherloc (09022015). Collection method: clinical testing. Allele origin: germline.
Comment: In summary, the available evidence is currently insufficient to determine the role of this variant in disease. Therefore, it has been classified as a Variant of Uncertain Significance. Algorithms developed to predict the effect of missense changes on protein structure and function are either unavailable or do not agree on the potential impact of this missense change (SIFT: "Tolerated"; PolyPhen-2: "Possibly Damaging"; Align-GVGD: "Class C0"). This variant has not been reported in the literature in individuals affected with EGFR-related conditions. This variant is not present in population databases (ExAC no frequency). This sequence change replaces glycine with alanine at codon 221 of the EGFR protein (p.Gly221Ala). The glycine residue is moderately conserved and there is a small physicochemical difference between glycine and alanine.

NM_005228.5(EGFR):c.662G>C (p.Gly221Ala)

Gene: EGFR (epidermal growth factor receptor; plus strand). Cytogenetic location: 7p11.2.
Variant type: single nucleotide variant.
Coding change: c.662G>C on transcript NM_005228.5 (MANE Select); coding-DNA position 662, G replaced by C.
Protein change: p.Gly221Ala; replaces glycine 221 with alanine.
Molecular consequence: missense variant. On other transcripts: intron variant (1).
Genome position (GRCh38, 1-based): chr7:55,152,579, G>C. VCF-style: chr7-55152579-G-C. GRCh37 (hg19) VCF-style: chr7-55220272-G-C.
Other names: c.527G>C, p.Gly176Ala (NM_001346897.2, NM_001346899.2); c.662G>C, p.Gly221Ala (NM_001346898.2, NM_201282.2, NM_201283.2 and 1 more transcripts); c.503G>C, p.Gly168Ala (NM_001346900.2); c.89-3251G>C (NM_001346941.2); short protein forms G221A, G168A, G176A.
Identifiers: ClinVar variation 1460666 (VCV001460666.6), dbSNP rs2128933719, ClinGen allele CA367577388.